The following is an entry in ClinVar:

ClinVar aggregate classification (germline): Conflicting classifications of pathogenicity. Review status: criteria provided, conflicting classifications (1 of 4 stars). 3 submissions from 3 submitters: Uncertain significance (1); Likely benign (1). 1 of the submissions does not count toward it. Last evaluated 2026-01-01.

Conditions:
Intellectual developmental disorder 61. Also called: MENTAL RETARDATION, AUTOSOMAL DOMINANT 61; INTELLECTUAL DEVELOPMENTAL DISORDER, AUTOSOMAL DOMINANT 61. Identifiers: MedGen C5231400, MONDO:0032485, OMIM 618009.
MED13-related disorder. Also called: MED13-related condition.

Allele frequency attached by ClinVar (database versions not stated): 1000 Genomes Project 30x 0.00016; 1000 Genomes Project 0.00020; ESP Exome Variant Server 0.00032.
gnomAD v4.1: 639 of 1,614,232 alleles (0.04%); highest among the groups gnomAD compares: Non-Finnish European, 0.049%; 2 homozygotes.

Submissions (3):

CeGaT Center for Human Genetics Tuebingen
Classification: Likely benign. Last evaluated: 2026-01-01. Review status: criteria provided, single submitter. Criteria: CeGaT Center For Human Genetics Tuebingen Variant Classification Criteria Version 2. Collection method: clinical testing. Allele origin: germline. Affected: yes. Observed: 9 variant alleles.
Comment: MED13: BP4, BS2

Department of Pathology and Laboratory Medicine, Sinai Health System
Classification: Uncertain significance for Intellectual developmental disorder 61. Last evaluated: 2020-07-03. Review status: criteria provided, single submitter. Criteria: ACMG Guidelines, 2015. Collection method: research. Allele origin: germline.

PreventionGenetics, part of Exact Sciences
Classification: Likely benign for MED13-related condition. Last evaluated: 2022-06-29. Review status: no assertion criteria provided. Collection method: clinical testing. Allele origin: germline. Not counted in ClinVar's aggregate classification.
Comment: This variant is classified as likely benign based on ACMG/AMP sequence variant interpretation guidelines (Richards et al. 2015 PMID: 25741868, with internal and published modifications).

NM_005121.3(MED13):c.1448G>C (p.Ser483Thr)

Gene: MED13 (mediator complex subunit 13; minus strand). Cytogenetic location: 17q23.2.
Variant type: single nucleotide variant.
Coding change: c.1448G>C on transcript NM_005121.3 (MANE Select); coding-DNA position 1448, G replaced by C.
Protein change: p.Ser483Thr; replaces serine 483 with threonine.
Molecular consequence: missense variant.
Genome position (GRCh38, 1-based): chr17:62,011,069, C>G on the plus strand (G>C on the coding strand, the complement: MED13 is on the minus strand). VCF-style: chr17-62011069-C-G. GRCh37 (hg19) VCF-style: chr17-60088430-C-G.
Other names: c.1448G>C (NM_005121.2); short protein forms S483T.
Identifiers: ClinVar variation 1176056 (VCV001176056.37), dbSNP rs201549270, ClinGen allele CA8693046.